The following is an entry in ClinVar:

NM_014856.3(DENND4B):c.2704CAG[6] (p.Gln908_Gln910del)

Gene: DENND4B (DENN domain containing 4B; minus strand). Cytogenetic location: 1q21.3.
Variant type: Microsatellite.
Coding change: c.2704CAG[6] on transcript NM_014856.3 (MANE Select); six copies in a row of the 3-base unit CAG starting at c.2704; the reference has nine copies in a row; three copies, 9 bases deleted.
Protein change: p.Gln908_Gln910del.
Genome position (GRCh38, 1-based): chr1:153,934,803-153,934,811, CTGCTGCTG deleted on the plus strand (CAGCAGCAG on the coding strand, the reverse complement: DENND4B is on the minus strand); deleting any 9 consecutive bases within chr1:153,934,803-153,934,829 gives the same sequence; the position shown is the placement nearest the transcript's 3' end. VCF-style (leftmost placement, unchanged base first): chr1-153934802-CCTGCTGCTG-C. GRCh37 (hg19) VCF-style: chr1-153907278-CCTGCTGCTG-C.
Other names: c.2737CAG[6], p.Gln919_Gln921del (NM_001367466.1).
Identifiers: ClinVar variation 3059203 (VCV003059203.3), dbSNP rs3835302, ClinGen allele CA1121359.

ClinVar aggregate classification (germline): Likely benign. Review status: criteria provided, single submitter (1 of 4 stars). 2 submissions from 2 submitters: Likely benign (1). 1 of the submissions does not count toward it. Last evaluated 2025-02-16.

Conditions:
DENND4B-related disorder. Also called: DENND4B-related condition.

Submissions (2):

Laboratory of Genetics, Children's Clinical University Hospital Latvia
Classification: Likely benign. Last evaluated: 2025-02-16. Review status: criteria provided, single submitter. Criteria: ACMG Guidelines, 2015. Collection method: clinical testing. Allele origin: germline. Affected: yes.

PreventionGenetics, part of Exact Sciences
Classification: Benign for DENND4B-related condition. Last evaluated: 2022-02-26. Review status: no assertion criteria provided. Collection method: clinical testing. Allele origin: germline. Not counted in ClinVar's aggregate classification.
Comment: This variant is classified as benign based on ACMG/AMP sequence variant interpretation guidelines (Richards et al. 2015 PMID: 25741868, with internal and published modifications).